The following is an entry in ClinVar:

ClinVar aggregate classification (germline): Uncertain significance (1 of 4 stars; one submission).

Conditions:
Congenital myopathy with internal nuclei and atypical cores. Also called: Myopathy, centronuclear, 4. Identifiers: Orphanet 319160, MedGen C4707232, MONDO:0013890, OMIM 614807.

Submission:

Labcorp Genetics (formerly Invitae), Labcorp
Classification: Uncertain significance for Congenital myopathy with internal nuclei and atypical cores. Last evaluated: 2025-06-05. Review status: criteria provided, single submitter. Criteria: Invitae Variant Classification Sherloc (09022015). Collection method: clinical testing. Allele origin: germline.
Comment: This sequence change replaces glycine, which is neutral and non-polar, with valine, which is neutral and non-polar, at codon 35 of the CCDC78 protein (p.Gly35Val). This variant is not present in population databases (gnomAD no frequency). This variant has not been reported in the literature in individuals affected with CCDC78-related conditions. Invitae Evidence Modeling of protein sequence and biophysical properties (such as structural, functional, and spatial information, amino acid conservation, physicochemical variation, residue mobility, and thermodynamic stability) indicates that this missense variant is not expected to disrupt CCDC78 protein function with a negative predictive value of 80%. In summary, the available evidence is currently insufficient to determine the role of this variant in disease. Therefore, it has been classified as a Variant of Uncertain Significance.

NM_001378030.1(CCDC78):c.104G>T (p.Gly35Val)

Gene: CCDC78 (coiled-coil domain containing 78; minus strand). Cytogenetic location: 16p13.3.
Variant type: single nucleotide variant.
Coding change: c.104G>T on transcript NM_001378030.1 (MANE Select); coding-DNA position 104, G replaced by T.
Protein change: p.Gly35Val; replaces glycine 35 with valine.
Molecular consequence: missense variant. On other transcripts: 5 prime UTR variant (1), non-coding transcript variant (5).
Genome position (GRCh38, 1-based): chr16:726,042, C>A on the plus strand (G>T on the coding strand, the complement: CCDC78 is on the minus strand). VCF-style: chr16-726042-C-A. GRCh37 (hg19) VCF-style: chr16-776042-C-A.
Other names: c.104G>T, p.Gly35Val (NM_001031737.3, NM_001378031.1); c.-182G>T (NM_001378033.1); short protein forms G35V.
Identifiers: ClinVar variation 4799493 (VCV004799493.1).